The following is an entry in ClinVar:

NM_005591.4(MRE11):c.1862T>C (p.Ile621Thr)

Gene: MRE11 (MRE11 double strand break repair nuclease; minus strand). Cytogenetic location: 11q21.
Variant type: single nucleotide variant.
Coding change: c.1862T>C on transcript NM_005591.4 (MANE Select); coding-DNA position 1862, T replaced by C.
Protein change: p.Ile621Thr; replaces isoleucine 621 with threonine.
Molecular consequence: missense variant. On other transcripts: intron variant (1).
Genome position (GRCh38, 1-based): chr11:94,445,815, A>G on the plus strand (T>C on the coding strand, the complement: MRE11 is on the minus strand). VCF-style: chr11-94445815-A-G. GRCh37 (hg19) VCF-style: chr11-94178981-A-G.
Other names: c.1783+1404T>C (NM_005590.4); c.1859T>C, p.Ile620Thr (NM_001330347.2); short protein forms I621T, I620T.
Identifiers: ClinVar variation 3912897 (VCV003912897.1).

ClinVar aggregate classification (germline): Uncertain significance (1 of 4 stars; one submission).

Conditions:
Hereditary cancer-predisposing syndrome. Also called: Hereditary Cancer Syndrome; Hereditary neoplastic syndrome; Neoplastic Syndromes, Hereditary; Tumor predisposition. Identifiers: Orphanet 140162, MedGen C0027672, MeSH D009386, MONDO:0015356.

gnomAD v4.1: 6 of 1,609,086 alleles (0.00037%); highest among the groups gnomAD compares: African/African-American, 0.0013%; no homozygotes.

Submission:

Ambry Genetics
Classification: Uncertain significance for Hereditary cancer-predisposing syndrome. Last evaluated: 2025-06-14. Review status: criteria provided, single submitter. Criteria: Ambry Variant Classification Scheme 2023. Collection method: clinical testing. Allele origin: germline.
Comment: The p.I621T variant (also known as c.1862T>C), located in coding exon 15 of the MRE11A gene, results from a T to C substitution at nucleotide position 1862. The isoleucine at codon 621 is replaced by threonine, an amino acid with similar properties. This amino acid position is conserved. In addition, this alteration is predicted to be tolerated by in silico analysis. Based on the available evidence, the clinical significance of this variant remains unclear.